The following is an entry in ClinVar:

NM_000346.4(SOX9):c.909C>G (p.His303Gln)

Gene: SOX9 (SRY-box transcription factor 9; plus strand). Cytogenetic location: 17q24.3.
Variant type: single nucleotide variant.
Coding change: c.909C>G on transcript NM_000346.4 (MANE Select); coding-DNA position 909, C replaced by G.
Protein change: p.His303Gln; replaces histidine 303 with glutamine.
Molecular consequence: missense variant.
Genome position (GRCh38, 1-based): chr17:72,123,766, C>G. VCF-style: chr17-72123766-C-G. GRCh37 (hg19) VCF-style: chr17-70119907-C-G.
Other names: short protein forms H303Q.
Identifiers: ClinVar variation 4799703 (VCV004799703.1).

ClinVar aggregate classification (germline): Uncertain significance (1 of 4 stars; one submission).

Conditions:
Camptomelic dysplasia (CMPD). Also called: Campomelic Dysplasia; CMPD1/SRA1. Identifiers: Orphanet 140, MedGen C1861922, MONDO:0007251, OMIM 114290.

Submission:

Labcorp Genetics (formerly Invitae), Labcorp
Classification: Uncertain significance for Camptomelic dysplasia. Last evaluated: 2025-11-03. Review status: criteria provided, single submitter. Criteria: Invitae Variant Classification Sherloc (09022015). Collection method: clinical testing. Allele origin: germline.
Comment: This sequence change replaces histidine, which is basic and polar, with glutamine, which is neutral and polar, at codon 303 of the SOX9 protein (p.His303Gln). This variant is present in population databases (no rsID available, gnomAD 0.003%). This variant has not been reported in the literature in individuals affected with SOX9-related conditions. Invitae Evidence Modeling of protein sequence and biophysical properties (such as structural, functional, and spatial information, amino acid conservation, physicochemical variation, residue mobility, and thermodynamic stability) indicates that this missense variant is not expected to disrupt SOX9 protein function with a negative predictive value of 95%. In summary, the available evidence is currently insufficient to determine the role of this variant in disease. Therefore, it has been classified as a Variant of Uncertain Significance.